The following is an entry in ClinVar:

NM_024417.5(FDXR):c.178-96C>G

Gene: FDXR (ferredoxin reductase; minus strand). Cytogenetic location: 17q25.1.
Variant type: single nucleotide variant.
Coding change: c.178-96C>G on transcript NM_024417.5 (MANE Select); 96 bases into the intron before coding-DNA position 178, C replaced by G.
Molecular consequence: intron variant. On other transcripts: missense variant (1).
Genome position (GRCh38, 1-based): chr17:74,866,972, G>C on the plus strand (C>G on the coding strand, the complement: FDXR is on the minus strand). VCF-style: chr17-74866972-G-C. GRCh37 (hg19) VCF-style: chr17-72863094-G-C.
Other names: c.211C>G, p.Leu71Val (NM_001258012.4); c.178-96C>G (NM_001258014.4, NM_004110.6); c.178-93C>G (NM_001258015.3); c.271-96C>G (NM_001258013.4); c.22-96C>G (NM_001258016.3); short protein forms L71V.
Identifiers: ClinVar variation 4981721 (VCV004981721.1).
Genomic context (GRCh38, chr17:74,866,972, plus strand): 5'-GAGAGAGAGGCTGGGACGCCCCCAGGTCCTCCCCTTCCCCAGACAGAGCAGGAGAGTTCA[G>C]GACCCTGGGCTGAGAACACAAGGCTTCCACCCTCTGCAAGGAAAAAGAGCACTCACTCCT-3'

ClinVar aggregate classification (germline): Uncertain significance (1 of 4 stars; one submission).

Conditions:
FDXR-related disorder. Also called: FDXR-related disorders; FDXR-related condition.

gnomAD v4.1: 100 of 1,546,970 alleles (0.0065%); highest among the groups gnomAD compares: Non-Finnish European, 0.0078%; no homozygotes.

Submission:

PreventionGenetics, part of Exact Sciences
Classification: Uncertain significance for FDXR-related condition. Last evaluated: 2026-04-13. Review status: criteria provided, single submitter. Criteria: ACMG Guidelines, 2015. Collection method: clinical testing. Allele origin: germline.
Comment: The FDXR c.211C>G variant is predicted to result in the amino acid substitution p.Leu71Val. This variant is intronic in an alternative transcript NM_024417:c.178-96C>G. To our knowledge, this variant has not been reported in the literature. This variant is reported in 0.0097% of alleles in individuals of European (Non-Finnish) descent in gnomAD. At this time, the clinical significance of this variant is uncertain due to the absence of conclusive functional and genetic evidence.